The following is an entry in ClinVar:

ClinVar aggregate classification (germline): Likely pathogenic (1 of 4 stars; one submission).

Conditions:
Nemaline myopathy 2 (NEM2). Also called: Nemaline myopathy 2, autosomal recessive. Identifiers: MedGen C1850569, MONDO:0009725, OMIM 256030.

Submission:

Natera, Inc.
Classification: Likely pathogenic for Nemaline myopathy type 2. Last evaluated: 2024-07-10. Review status: criteria provided, single submitter. Criteria: Natera Variant Classification Schema (03/2026). Collection method: clinical testing. Allele origin: germline.
Comment: The c.9185G>A variant in NEB is a nonsense variant predicted to introduce a stop codon at amino acid 3062. This variant is expected to result in nonsense mediated decay, truncation, or a dysfunctional protein product. This variant is rare in the general population with a frequency below the threshold expected for the associated phenotype(s). Given the available evidence, this variant is classified as Likely Pathogenic.

NM_001164508.2(NEB):c.9185G>A (p.Trp3062Ter)

Gene: NEB (nebulin; minus strand). Cytogenetic location: 2q23.3.
Variant type: single nucleotide variant.
Coding change: c.9185G>A on transcript NM_001164508.2 (MANE Select); coding-DNA position 9185, G replaced by A.
Protein change: p.Trp3062Ter; replaces tryptophan 3062 with a stop codon.
Molecular consequence: nonsense. On other transcripts: intron variant (1).
Genome position (GRCh38, 1-based): chr2:151,633,883, C>T on the plus strand (G>A on the coding strand, the complement: NEB is on the minus strand). VCF-style: chr2-151633883-C-T. GRCh37 (hg19) VCF-style: chr2-152490397-C-T.
Other names: c.9185G>A, p.Trp3062Ter (NM_001164507.2, NM_001271208.2); c.8854-2705G>A (NM_004543.5); short protein forms W3062*.
Identifiers: ClinVar variation 4814795 (VCV004814795.1).